The following is an entry in ClinVar:

NM_001041.4(SI):c.5198-20dup

Gene: SI (sucrase-isomaltase; minus strand). Cytogenetic location: 3q26.1.
Variant type: Duplication.
Coding change: c.5198-20dup on transcript NM_001041.4 (MANE Select); 20 bases into the intron before coding-DNA position 5198, one base duplicated (T; older notation c.5198-20dupT).
Molecular consequence: intron variant.
Genome position (GRCh38, 1-based): chr3:164,983,064, A duplicated on the plus strand (T on the coding strand, the reverse complement: SI is on the minus strand); the first of 8 consecutive A bases (chr3:164,983,064-164,983,071); duplicating any one gives the same sequence. VCF-style (leftmost placement, unchanged base first): chr3-164983063-G-GA. GRCh37 (hg19) VCF-style: chr3-164700851-G-GA.
Other names: c.5198-13dupT (NM_001041.4); c.5198-13dup (NM_001041.4).
Identifiers: ClinVar variation 1165342 (VCV001165342.12), dbSNP rs566002300, ClinGen allele CA2689602.

ClinVar aggregate classification (germline): Benign/Likely benign. Review status: criteria provided, multiple submitters, no conflicts (2 of 4 stars). 4 submissions from 4 submitters: Benign (3); Likely benign (1). Last evaluated 2026-01-28.

Conditions:
Sucrase-isomaltase deficiency (CSID). Also called: SI DEFICIENCY; Congenital sucrose isomaltose malabsorption; Sucrose isomaltose enzyme deficiency; Deficiency of isomaltase. Identifiers: Orphanet 35122, MedGen C1283620, MONDO:0009114, OMIM 222900.

Submissions (4):

Labcorp Genetics (formerly Invitae), Labcorp
Classification: Benign. Last evaluated: 2026-01-28. Review status: criteria provided, single submitter. Criteria: Invitae Variant Classification Sherloc (09022015). Collection method: clinical testing. Allele origin: germline.

Blueprint Genetics
Classification: Likely benign. Last evaluated: 2024-11-24. Review status: criteria provided, single submitter. Criteria: ACMG Guidelines, 2015. Collection method: clinical testing. Allele origin: germline.

Women's Health and Genetics/Laboratory Corporation of America, LabCorp
Classification: Benign. Last evaluated: 2024-01-12. Review status: criteria provided, single submitter. Criteria: LabCorp Variant Classification Summary - May 2015. Collection method: clinical testing. Allele origin: germline.
Comment: Variant summary: SI c.5198-13dupT alters a non-conserved nucleotide located at a position not widely known to affect splicing. Consensus agreement among computation tools predict no significant impact on normal splicing. However, these predictions have yet to be confirmed by functional studies. The variant allele was found at a frequency of 0.0025 in 243652 control chromosomes in the gnomAD database, including 2 homozygotes. To our knowledge, no occurrence of c.5198-13dupT in individuals affected with Sucrase-Isomaltase Deficiency and no experimental evidence demonstrating its impact on protein function have been reported. ClinVar contains an entry for this variant (Variation ID: 1165342, Benign). Based on the evidence outlined above, the variant was classified as benign.

Fulgent Genetics
Classification: Benign for Sucrase-isomaltase deficiency. Last evaluated: 2021-07-20. Review status: criteria provided, single submitter. Criteria: ACMG Guidelines, 2015. Collection method: clinical testing. Allele origin: unknown.